The following is an entry in ClinVar:

ClinVar aggregate classification (germline): Uncertain significance. Review status: criteria provided, multiple submitters, no conflicts (2 of 4 stars). 3 submissions from 3 submitters: Uncertain significance (3). Last evaluated 2024-05-16.

Allele frequency attached by ClinVar (database versions not stated): ExAC 0.00003; gnomAD exomes 0.00003; TOPMed 0.00004; gnomAD 0.00005 and 0.00006; ESP Exome Variant Server 0.00008.
gnomAD v4.1: 164 of 1,614,060 alleles (0.01%); highest among the groups gnomAD compares: Non-Finnish European, 0.012%; no homozygotes.

Submissions (3):

Blueprint Genetics
Classification: Uncertain significance. Last evaluated: 2024-05-16. Review status: criteria provided, single submitter. Criteria: ACMG Guidelines, 2015. Collection method: clinical testing. Allele origin: germline.

Ambry Genetics
Classification: Uncertain significance. Last evaluated: 2024-02-06. Review status: criteria provided, single submitter. Criteria: Ambry Variant Classification Scheme 2023. Collection method: clinical testing. Allele origin: germline.

Labcorp Genetics (formerly Invitae), Labcorp
Classification: Uncertain significance. Last evaluated: 2023-09-09. Review status: criteria provided, single submitter. Criteria: Invitae Variant Classification Sherloc (09022015). Collection method: clinical testing. Allele origin: germline.
Comment: In summary, the available evidence is currently insufficient to determine the role of this variant in disease. Therefore, it has been classified as a Variant of Uncertain Significance. Experimental studies and prediction algorithms are not available or were not evaluated, and the functional significance of this variant is currently unknown. ClinVar contains an entry for this variant (Variation ID: 857671). This variant has not been reported in the literature in individuals affected with RGR-related conditions. The frequency data for this variant in the population databases is considered unreliable, as metrics indicate poor data quality at this position in the gnomAD database. This sequence change replaces tyrosine, which is neutral and polar, with cysteine, which is neutral and slightly polar, at codon 265 of the RGR protein (p.Tyr265Cys).

NM_001012720.2(RGR):c.794A>G (p.Tyr265Cys)

Gene: RGR (retinal G protein coupled receptor; plus strand). Cytogenetic location: 10q23.1.
Variant type: single nucleotide variant.
Coding change: c.794A>G on transcript NM_001012720.2 (MANE Select); coding-DNA position 794, A replaced by G.
Protein change: p.Tyr265Cys; replaces tyrosine 265 with cysteine.
Molecular consequence: missense variant.
Genome position (GRCh38, 1-based): chr10:84,258,557, A>G. VCF-style: chr10-84258557-A-G. GRCh37 (hg19) VCF-style: chr10-86018313-A-G.
Other names: c.680A>G, p.Tyr227Cys (NM_001012722.2); c.806A>G, p.Tyr269Cys (NM_002921.4); short protein forms Y265C, Y227C, Y269C.
Identifiers: ClinVar variation 857671 (VCV000857671.11), dbSNP rs371107677, ClinGen allele CA5581592.
Genomic context (GRCh38, chr10:84,258,557, plus strand): 5'-TGCCACAACAGGTGCCCGCCCTCATTGCCAAAATGGTGCCCACGATCAATGCCATCAACT[A>G]TGCCCTGGGCAATGAGATGGTCTGCAGGGGAATCTGGCAGTGCCTCTCACCGCAGAAGAG-3'
Protein context (NP_001012738.1, residues 255-275): KMVPTINAIN[Tyr265Cys]ALGNEMVCRG